The following is an entry in ClinVar:

NM_020771.4(HACE1):c.2313_2316del (p.Leu772fs)

Gene: HACE1 (HECT domain and ankyrin repeat containing E3 ubiquitin protein ligase 1; minus strand). Cytogenetic location: 6q16.3.
Variant type: Microsatellite.
Coding change: c.2313_2316del on transcript NM_020771.4 (MANE Select); coding-DNA positions 2313 to 2316, 4 bases deleted (CCTC; older notation c.2313_2316delCCTC).
Protein change: p.Leu772fs; shifts the reading frame from leucine 772.
Molecular consequence: frameshift variant. On other transcripts: non-coding transcript variant (7).
Genome position (GRCh38, 1-based): chr6:104,750,368-104,750,371, GAGG deleted on the plus strand (CCTC on the coding strand, the reverse complement: HACE1 is on the minus strand); deleting any 4 consecutive bases within chr6:104,750,368-104,750,376 gives the same sequence; the c. name uses the placement nearest the transcript's 3' end. VCF-style (leftmost placement, unchanged base first): chr6-104750367-TGAGG-T. GRCh37 (hg19) VCF-style: chr6-105198242-TGAGG-T.
Other names: c.2313_2316delCCTC (NM_020771.4); c.2079_2082del, p.Leu694fs (NM_001350554.2); c.2022_2025del, p.Leu675fs (NM_001350555.2); c.1827_1830del, p.Leu610fs (NM_001350556.2); c.1809_1812del, p.Leu604fs (NM_001350557.2, NM_001350558.2, NM_001321084.2); c.1731_1734del, p.Leu578fs (NM_001350559.2); c.1530_1533del, p.Leu511fs (NM_001350560.2); c.2181_2184del, p.Leu728fs (NM_001321080.2); and 1 more; short protein forms L511fs, L578fs, L604fs, L610fs, L675fs, L694fs, L728fs, L738fs.
Identifiers: ClinVar variation 4847657 (VCV004847657.1).

ClinVar aggregate classification (germline): Pathogenic (1 of 4 stars; one submission).

Conditions:
Spastic paraplegia-severe developmental delay-epilepsy syndrome. Also called: Spastic paraplegia and psychomotor retardation with or without seizures. Identifiers: Orphanet 464282, MedGen C4225215, MONDO:0014764, OMIM 616756.

Submission:

Women's Health and Genetics/Laboratory Corporation of America, LabCorp
Classification: Pathogenic for Spastic paraplegia-severe developmental delay-epilepsy syndrome. Last evaluated: 2026-03-26. Review status: criteria provided, single submitter. Criteria: LabCorp Variant Classification Summary - May 2015. Collection method: clinical testing. Allele origin: germline.
Comment: Variant summary: HACE1 c.2313_2316delCCTC (p.Leu772TyrfsX21) results in a premature termination codon, predicted to cause a truncation of the encoded protein or absence of the protein due to nonsense mediated decay, which are commonly known mechanisms for disease. The frequency data for this variant in gnomAD is considered unreliable, as metrics indicate poor data quality at this position. To our knowledge, no occurrence of c.2313_2316delCCTC in individuals affected with HACE1-related conditions and no experimental evidence demonstrating its impact on protein function have been reported. No submitters have cited clinical-significance assessments for this variant to ClinVar. Based on the evidence outlined above, the variant was classified as pathogenic.